The following is an entry in ClinVar:

NM_001283009.2(RTEL1):c.1139C>G (p.Ala380Gly)

Genes: RTEL1 (regulator of telomere elongation helicase 1; plus strand), RTEL1-TNFRSF6B (RTEL1-TNFRSF6B readthrough (NMD candidate); plus strand). Cytogenetic location: 20q13.33.
Variant type: single nucleotide variant.
Coding change: c.1139C>G on transcript NM_001283009.2 (MANE Select); coding-DNA position 1139, C replaced by G.
Protein change: p.Ala380Gly; replaces alanine 380 with glycine.
Molecular consequence: missense variant. On other transcripts: non-coding transcript variant (1).
Genome position (GRCh38, 1-based): chr20:63,680,667, C>G. VCF-style: chr20-63680667-C-G. GRCh37 (hg19) VCF-style: chr20-62312020-C-G.
Other names: c.470C>G, p.Ala157Gly (NM_001283010.1); c.1139C>G, p.Ala380Gly (NM_016434.4); c.1211C>G, p.Ala404Gly (NM_032957.5); short protein forms A157G, A380G, A404G.
Identifiers: ClinVar variation 2929005 (VCV002929005.3), dbSNP rs770836729, ClinGen allele CA9964633.
Genomic context (GRCh38, chr20:63,680,667, plus strand): 5'-TGGGGTCGGGGCCTCCCCTGCCTGCAGTGTGGGTGTCAGCGCCCTGCTGCCCTCCAGGTG[C>G]TGGAGTGTTCACCAACACGGCCGGACTGCAGAAGCTGGCGGACATTATCCAGGTGGGGCC-3'
Protein context (NP_001269938.1, residues 370-390): DQIIQHLAGR[Ala380Gly]GVFTNTAGLQ

ClinVar aggregate classification (germline): Uncertain significance (1 of 4 stars; one submission).

Conditions:
Pulmonary fibrosis and/or bone marrow failure, Telomere-related, 3. Also called: PULMONARY FIBROSIS AND/OR BONE MARROW FAILURE SYNDROME, TELOMERE-RELATED, 3. Identifiers: Orphanet 2032, MedGen C4225346, MONDO:0014613, OMIM 616373.
Dyskeratosis congenita, autosomal recessive 5 (DKCB5). Identifiers: MedGen C3554656, MONDO:0014076, OMIM 615190.

Allele frequency attached by ClinVar (database versions not stated): gnomAD exomes below 0.00001; ExAC 0.00001.
gnomAD v4.1: 2 of 1,613,204 alleles (0.00012%); highest among the groups gnomAD compares: African/African-American, 0.0013%; no homozygotes.

Submission:

Labcorp Genetics (formerly Invitae), Labcorp
Classification: Uncertain significance for Dyskeratosis congenita, autosomal recessive 5; Pulmonary fibrosis and/or bone marrow failure, Telomere-related, 3. Last evaluated: 2025-09-23. Review status: criteria provided, single submitter. Criteria: Invitae Variant Classification Sherloc (09022015). Collection method: clinical testing. Allele origin: germline.
Comment: This sequence change replaces alanine, which is neutral and non-polar, with glycine, which is neutral and non-polar, at codon 380 of the RTEL1 protein (p.Ala380Gly). This variant is present in population databases (rs770836729, gnomAD 0.0009%). This variant has not been reported in the literature in individuals affected with RTEL1-related conditions. ClinVar contains an entry for this variant (Variation ID: 2929005). An algorithm developed to predict the effect of missense changes on protein structure and function (PolyPhen-2) suggests that this variant is likely to be tolerated. In summary, the available evidence is currently insufficient to determine the role of this variant in disease. Therefore, it has been classified as a Variant of Uncertain Significance.